The following is an entry in ClinVar:

ClinVar aggregate classification (germline): Benign/Likely benign. Review status: criteria provided, multiple submitters, no conflicts (2 of 4 stars). 3 submissions from 3 submitters: Benign (1); Likely benign (2). Last evaluated 2024-08-21.

Conditions:
Familial cancer of breast. Also called: hereditary breast carcinoma; BREAST CANCER, FAMILIAL; Hereditary breast cancer. Identifiers: Orphanet 227535, MedGen C0346153, MONDO:0016419, OMIM 114480. Disease mechanism: loss of function.
Fanconi anemia complementation group J. Also called: BRIP1-Related Fanconi Anemia. Identifiers: Orphanet 84, MedGen C1836860, MONDO:0012187, OMIM 609054.
Hereditary cancer-predisposing syndrome. Also called: Hereditary Cancer Syndrome; Hereditary neoplastic syndrome; Neoplastic Syndromes, Hereditary; Tumor predisposition. Identifiers: Orphanet 140162, MedGen C0027672, MeSH D009386, MONDO:0015356.

Submissions (3):

Myriad Genetics, Inc.
Classification: Benign for Familial cancer of breast. Last evaluated: 2024-08-21. Review status: criteria provided, single submitter. Criteria: Myriad Autosomal Dominant, Autosomal Recessive and X-Linked Classification Criteria (2023). Collection method: clinical testing. Allele origin: unknown.
Comment: This variant is considered benign. This variant is a silent/synonymous amino acid change and it is not expected to impact splicing.

Labcorp Genetics (formerly Invitae), Labcorp
Classification: Likely benign for Familial cancer of breast; Fanconi anemia complementation group J. Last evaluated: 2023-06-11. Review status: criteria provided, single submitter. Criteria: Invitae Variant Classification Sherloc (09022015). Collection method: clinical testing. Allele origin: germline.

Color Diagnostics, LLC DBA Color Health
Classification: Likely benign for Hereditary cancer-predisposing syndrome. Last evaluated: 2019-11-20. Review status: criteria provided, single submitter. Criteria: ACMG Guidelines, 2015. Collection method: clinical testing. Allele origin: germline.

NM_032043.3(BRIP1):c.471G>A (p.Glu157=)

Gene: BRIP1 (BRCA1 interacting DNA helicase 1; minus strand). Cytogenetic location: 17q23.2.
Variant type: single nucleotide variant.
Coding change: c.471G>A on transcript NM_032043.3 (MANE Select); coding-DNA position 471, G replaced by A.
Protein change: p.Glu157=; no amino-acid change (glutamic acid 157 retained).
Molecular consequence: synonymous variant.
Genome position (GRCh38, 1-based): chr17:61,849,165, C>T on the plus strand (G>A on the coding strand, the complement: BRIP1 is on the minus strand). VCF-style: chr17-61849165-C-T. GRCh37 (hg19) VCF-style: chr17-59926526-C-T.
Identifiers: ClinVar variation 921981 (VCV000921981.12), dbSNP rs2078778336, ClinGen allele CA501150881.
Genomic context (GRCh38, chr17:61,849,165, plus strand): 5'-TTACTGCCAATAAACTCTGTTTACCTGCTGTGTAGTTTCTAAGGGTCGAATTCTTTTCTT[C>T]TCTACTTGAAAATCATCATTTTCATCTCTGTATATGGATGCCTGTTTCTTAGCAGATAAC-3'
Protein context (NP_114432.2, residues 147-167): YRDENDDFQV[Glu157=]KKRIRPLETT